The following is an entry in ClinVar:

ClinVar aggregate classification (germline): Uncertain significance (1 of 4 stars; one submission).

Allele frequency attached by ClinVar (database versions not stated): gnomAD exomes below 0.00001.

Submission:

GeneDx
Classification: Uncertain significance. Last evaluated: 2022-07-07. Review status: criteria provided, single submitter. Criteria: GeneDx Variant Classification Process June 2021. Collection method: clinical testing. Allele origin: germline. Affected: yes.
Comment: Has not been previously published as pathogenic or benign to our knowledge; Not observed at significant frequency in large population cohorts (gnomAD); Frameshift variant predicted to result in protein truncation or nonsense mediated decay in a gene or region of a gene for which loss of function is not a well-established mechanism of disease

NM_001267550.2(TTN):c.27386del (p.Leu9129fs)

Gene: TTN (titin; minus strand). Cytogenetic location: 2q31.2.
Variant type: Deletion.
Coding change: c.27386del on transcript NM_001267550.2 (MANE Select); coding-DNA position 27386, one base deleted (T; older notation c.27386delT).
Protein change: p.Leu9129fs; shifts the reading frame from leucine 9129.
Molecular consequence: frameshift variant. On other transcripts: intron variant (3).
Genome position (GRCh38, 1-based): chr2:178,712,536, A deleted on the plus strand (T on the coding strand, the reverse complement: TTN is on the minus strand). VCF-style (leftmost placement, unchanged base first): chr2-178712535-CA-C. GRCh37 (hg19) VCF-style: chr2-179577262-CA-C.
Other names: c.26435del, p.Leu8812fs (NM_001256850.1); c.27386delT, p.Leu9129Argfs (NM_001267550.1); c.23654del, p.Leu7885fs (NM_133378.4); c.13282+25546del (NM_003319.4); c.13858+25546del (NM_133437.4); c.13657+25546del (NM_133432.3); short protein forms L7885fs, L8812fs, L9129fs.
Identifiers: ClinVar variation 1878910 (VCV001878910.1), dbSNP rs2528902972, ClinGen allele CA2580065107.
Genomic context (GRCh38, chr2:178,712,535, plus strand): 5'-GCCATTTTTCTTCCAGGTAACCGAAATGGGAGGAGTTCCAGTGAATGTACCCTCTAGGAT[CA>C]GGGGTTTTCCTTTCTCTATGCTGTAATCATTCAGCCTCTTCACAAATTTGGCTGGGGCTA-3'